The following is an entry in ClinVar:

ClinVar aggregate classification (germline): Uncertain significance (1 of 4 stars; one submission).

Conditions:
Catecholaminergic polymorphic ventricular tachycardia (CVPT). Also called: Catecholamine-induced polymorphic ventricular tachycardia. Identifiers: Orphanet 3286, MedGen C5574922, MONDO:0017990.

Submission:

All of Us Research Program, National Institutes of Health
Classification: Uncertain significance for Catecholaminergic polymorphic ventricular tachycardia. Last evaluated: 2024-02-05. Review status: criteria provided, single submitter. Criteria: ACMG Guidelines, 2015. Collection method: clinical testing. Allele origin: germline. Inheritance: Autosomal dominant inheritance. Observed: 1 variant allele, 1 heterozygote.
Comment: This missense variant replaces alanine with threonine at codon 3065 of the RYR2 protein. Computational prediction is inconclusive regarding the impact of this variant on protein structure and function (internally defined REVEL score threshold 0.5 < inconclusive < 0.7, PMID: 27666373). To our knowledge, functional studies have not been reported for this variant. This variant has not been reported in individuals affected with RYR2-related disorders in the literature. This variant has not been identified in the general population by the Genome Aggregation Database (gnomAD). The available evidence is insufficient to determine the role of this variant in disease conclusively. Therefore, this variant is classified as a Variant of Uncertain Significance.

This study involves interpretation of variants in research participants for the purpose of population health screening. Participant phenotype was not available at the time of variant classification. Additional details can be found in publication PMID: 35346344, PMCID: PMC8962531

NM_001035.3(RYR2):c.9193G>A (p.Ala3065Thr)

Gene: RYR2 (ryanodine receptor 2; plus strand). Cytogenetic location: 1q43.
Variant type: single nucleotide variant.
Coding change: c.9193G>A on transcript NM_001035.3 (MANE Select); coding-DNA position 9193, G replaced by A.
Protein change: p.Ala3065Thr; replaces alanine 3065 with threonine.
Molecular consequence: missense variant.
Genome position (GRCh38, 1-based): chr1:237,700,293, G>A. VCF-style: chr1-237700293-G-A. GRCh37 (hg19) VCF-style: chr1-237863593-G-A.
Other names: short protein forms A3065T.
Identifiers: ClinVar variation 3075473 (VCV003075473.1), dbSNP rs2547364667, ClinGen allele CA345405609.